The following is an entry in ClinVar:

NM_001195553.2(DCX):c.611C>A (p.Ala204Asp)

Gene: DCX (doublecortin; minus strand). Cytogenetic location: Xq23.
Variant type: single nucleotide variant.
Coding change: c.611C>A on transcript NM_001195553.2 (MANE Select); coding-DNA position 611, C replaced by A.
Protein change: p.Ala204Asp; replaces alanine 204 with aspartic acid.
Molecular consequence: missense variant.
Genome position (GRCh38, 1-based): chrX:111,401,084, G>T on the plus strand (C>A on the coding strand, the complement: DCX is on the minus strand). VCF-style: chrX-111401084-G-T. GRCh37 (hg19) VCF-style: chrX-110644312-G-T.
Other names: c.854C>A, p.Ala285Asp (NM_000555.3); c.611C>A, p.Ala204Asp (NM_001369370.1, NM_001369371.1, NM_001369372.1 and 5 more transcripts); c.611C>A (NM_178153.1); short protein forms A204D, A285D.
Identifiers: ClinVar variation 158490 (VCV000158490.7), dbSNP rs587783571, ClinGen allele CA172032.
Genomic context (GRCh38, chrX:111,401,084, plus strand): 5'-ACCCCGGTCTCCAGTTTGATGGCTTCTGTGATATCAGTGAGGACTTGCTCAAAAGAGTGG[G>T]CTGTCTTCTTGTTCAGAAGCACACGCACAGCCTTCCGAGGCTTCACCCCACTGCGGATGA-3'
Protein context (NP_001182482.1, residues 194-214): AVRVLLNKKT[Ala204Asp]HSFEQVLTDI

ClinVar aggregate classification (germline): Pathogenic. Review status: criteria provided, multiple submitters, no conflicts (2 of 4 stars). 2 submissions from 2 submitters: Pathogenic (2). Last evaluated 2024-11-09.

Conditions:
Ectopic tissue. Also called: Heterotopia. Identifiers: MedGen C0008519.

Submissions (2):

GeneDx
Classification: Pathogenic. Last evaluated: 2024-11-09. Review status: criteria provided, single submitter. Criteria: GeneDx Variant Classification Process June 2021. Collection method: clinical testing. Allele origin: germline. Affected: yes.
Comment: Not observed at significant frequency in large population cohorts (gnomAD); In silico analysis supports that this missense variant has a deleterious effect on protein structure/function; This variant is associated with the following publications: (PMID: 23365099, 34145886)

Genetic Services Laboratory, University of Chicago
Classification: Pathogenic for Abnormality of neuronal migration. Last evaluated: 2013-02-08. Review status: criteria provided, single submitter. Criteria: ACMG Guidelines, 2007. Collection method: clinical testing. Allele origin: germline. Inheritance: Autosomal dominant inheritance. Affected: yes.